The following is an entry in ClinVar:

NM_005861.4(STUB1):c.545G>A (p.Arg182Gln)

Genes: JMJD8 (jumonji domain containing 8; minus strand), STUB1 (STIP1 homology and U-box containing protein 1; plus strand). Cytogenetic location: 16p13.3.
Variant type: single nucleotide variant.
Coding change: c.545G>A on transcript NM_005861.4 (MANE Select); coding-DNA position 545, G replaced by A.
Protein change: p.Arg182Gln; replaces arginine 182 with glutamine.
Molecular consequence: missense variant. On other transcripts: 3 prime UTR variant (5), non-coding transcript variant (3).
Genome position (GRCh38, 1-based): chr16:681,813, G>A. VCF-style: chr16-681813-G-A. GRCh37 (hg19) VCF-style: chr16-731813-G-A.
Other names: c.329G>A, p.Arg110Gln (NM_001293197.2); c.*981C>T (NM_001005920.4, NM_001323919.3, NM_001323920.3); c.*1015C>T (NM_001323918.3, NM_001323922.3); short protein forms R110Q, R182Q.
Identifiers: ClinVar variation 1980459 (VCV001980459.7), dbSNP rs145094142, ClinGen allele CA7786659.
Genomic context (GRCh38, chr16:681,813, plus strand): 5'-GGCCAGGTCCATCTCTGACCGGCTCCTGGTCAACCCCCAGGGAGCTGGAAGAGTGCCAGC[G>A]AAACCACGAGGGTGATGAGGACGACAGCCACGTCCGGGCCCAGCAGGCCTGCATTGAGGC-3'
Protein context (NP_005852.2, residues 172-192): ERERELEECQ[Arg182Gln]NHEGDEDDSH

ClinVar aggregate classification (germline): Uncertain significance. Review status: criteria provided, multiple submitters, no conflicts (2 of 4 stars). 3 submissions from 3 submitters: Uncertain significance (3). Last evaluated 2026-05-04.

Allele frequency attached by ClinVar (database versions not stated): ExAC 0.00008; ESP Exome Variant Server 0.00008.

Submissions (3):

GeneDx
Classification: Uncertain significance. Last evaluated: 2026-05-04. Review status: criteria provided, single submitter. Criteria: GeneDx Variant Classification Process June 2021. Collection method: clinical testing. Allele origin: germline.
Comment: In silico analysis suggests that this missense variant does not alter protein structure/function; Has not been previously published as pathogenic or benign to our knowledge

Women's Health and Genetics/Laboratory Corporation of America, LabCorp
Classification: Uncertain significance. Last evaluated: 2025-06-27. Review status: criteria provided, single submitter. Criteria: LabCorp Variant Classification Summary - May 2015. Collection method: clinical testing. Allele origin: germline.
Comment: Variant summary: STUB1 c.545G>A (p.Arg182Gln) results in a conservative amino acid change in the encoded protein sequence. Algorithms developed to predict the effect of missense changes on protein structure and function are either unavailable or do not agree on the potential impact of this missense change. The variant allele was found at a frequency of 4.9e-05 in 246800 control chromosomes (gnomAD). This frequency is not significantly higher than estimated for a pathogenic variant in STUB1 causing Autosomal Recessive Spinocerebellar Ataxia 16, allowing no conclusion about variant significance. c.545G>A has been observed in one individual affected with deafness (Synofzik_2014). The report does not provide unequivocal conclusions about association of the variant with Autosomal Recessive Spinocerebellar Ataxia 16. To our knowledge, no experimental evidence demonstrating an impact on protein function has been reported. The following publication have been ascertained in the context of this evaluation (PMID: 24742043). ClinVar contains an entry for this variant (Variation ID: 1980459). Based on the evidence outlined above, the variant was classified as uncertain significance.

Labcorp Genetics (formerly Invitae), Labcorp
Classification: Uncertain significance. Last evaluated: 2024-05-15. Review status: criteria provided, single submitter. Criteria: Invitae Variant Classification Sherloc (09022015). Collection method: clinical testing. Allele origin: germline.
Comment: This sequence change replaces arginine, which is basic and polar, with glutamine, which is neutral and polar, at codon 182 of the STUB1 protein (p.Arg182Gln). This variant is present in population databases (rs145094142, gnomAD 0.02%). This variant has not been reported in the literature in individuals affected with STUB1-related conditions. ClinVar contains an entry for this variant (Variation ID: 1980459). Advanced modeling of protein sequence and biophysical properties (such as structural, functional, and spatial information, amino acid conservation, physicochemical variation, residue mobility, and thermodynamic stability) performed at Invitae indicates that this missense variant is not expected to disrupt STUB1 protein function with a negative predictive value of 80%. In summary, the available evidence is currently insufficient to determine the role of this variant in disease. Therefore, it has been classified as a Variant of Uncertain Significance.

Literature cited by the submitters: PubMed 24742043 (cited by Women's Health and Genetics/Laboratory Corporation of America, LabCorp).